The following is an entry in ClinVar:

NM_000271.5(NPC1):c.3339C>T (p.Thr1113=)

Gene: NPC1 (NPC intracellular cholesterol transporter 1; minus strand). Cytogenetic location: 18q11.2.
Variant type: single nucleotide variant.
Coding change: c.3339C>T on transcript NM_000271.5 (MANE Select); coding-DNA position 3339, C replaced by T.
Protein change: p.Thr1113=; no amino-acid change (threonine 1113 retained).
Molecular consequence: synonymous variant.
Genome position (GRCh38, 1-based): chr18:23,535,607, G>A on the plus strand (C>T on the coding strand, the complement: NPC1 is on the minus strand). VCF-style: chr18-23535607-G-A. GRCh37 (hg19) VCF-style: chr18-21115571-G-A.
Identifiers: ClinVar variation 2735511 (VCV002735511.11), dbSNP rs1405351357, ClinGen allele CA503521724.

ClinVar aggregate classification (germline): Likely benign. Review status: criteria provided, multiple submitters, no conflicts (2 of 4 stars). 2 submissions from 2 submitters: Likely benign (2). Last evaluated 2025-07-01.

Conditions:
Niemann-Pick disease, type C1. Also called: NEUROVISCERAL STORAGE DISEASE WITH VERTICAL SUPRANUCLEAR OPHTHALMOPLEGIA; NIEMANN-PICK DISEASE WITH CHOLESTEROL ESTERIFICATION BLOCK; NIEMANN-PICK DISEASE WITHOUT SPHINGOMYELINASE DEFICIENCY; NIEMANN-PICK DISEASE, CHRONIC NEURONOPATHIC FORM; NIEMANN-PICK DISEASE, VARIANT TYPE C1. Identifiers: Orphanet 646, MedGen C3179455, MONDO:0009757, OMIM 257220.

Allele frequency attached by ClinVar (database versions not stated): gnomAD exomes below 0.00001.
gnomAD v4.1: 3 of 1,614,120 alleles (0.00019%); highest among the groups gnomAD compares: East Asian, 0.0022%; no homozygotes.

Submissions (2):

CeGaT Center for Human Genetics Tuebingen
Classification: Likely benign. Last evaluated: 2025-07-01. Review status: criteria provided, single submitter. Criteria: CeGaT Center For Human Genetics Tuebingen Variant Classification Criteria Version 2. Collection method: clinical testing. Allele origin: germline. Affected: yes. Observed: 1 variant allele.
Comment: NPC1: BP4, BP7

Labcorp Genetics (formerly Invitae), Labcorp
Classification: Likely benign for Niemann-Pick disease, type C1. Last evaluated: 2024-09-29. Review status: criteria provided, single submitter. Criteria: Invitae Variant Classification Sherloc (09022015). Collection method: clinical testing. Allele origin: germline.